The following is an entry in ClinVar:

NM_182961.4(SYNE1):c.16567A>C (p.Asn5523His)

Gene: SYNE1 (spectrin repeat containing nuclear envelope protein 1; minus strand). Cytogenetic location: 6q25.2.
Variant type: single nucleotide variant.
Coding change: c.16567A>C on transcript NM_182961.4 (MANE Select); coding-DNA position 16567, A replaced by C.
Protein change: p.Asn5523His; replaces asparagine 5523 with histidine.
Molecular consequence: missense variant.
Genome position (GRCh38, 1-based): chr6:152,318,086, T>G on the plus strand (A>C on the coding strand, the complement: SYNE1 is on the minus strand). VCF-style: chr6-152318086-T-G. GRCh37 (hg19) VCF-style: chr6-152639221-T-G.
Other names: c.16354A>C, p.Asn5452His (NM_033071.5); short protein forms N5452H, N5523H.
Identifiers: ClinVar variation 3067341 (VCV003067341.21), dbSNP rs747781282, ClinGen allele CA366111226.

ClinVar aggregate classification (germline): Uncertain significance (1 of 4 stars; one submission).

Submission:

CeGaT Center for Human Genetics Tuebingen
Classification: Uncertain significance. Last evaluated: 2024-03-01. Review status: criteria provided, single submitter. Criteria: CeGaT Center For Human Genetics Tuebingen Variant Classification Criteria Version 2. Collection method: clinical testing. Allele origin: germline. Affected: yes. Observed: 1 variant allele.
Comment: SYNE1: PM2, BP4